The following is an entry in ClinVar:

ClinVar aggregate classification (germline): Conflicting classifications of pathogenicity. Review status: criteria provided, conflicting classifications (1 of 4 stars). 3 submissions from 3 submitters: Uncertain significance (2); Likely benign (1). Last evaluated 2024-01-04.

Conditions:
Inborn genetic diseases. Identifiers: MedGen C0950123, MeSH D030342.

Allele frequency attached by ClinVar (database versions not stated): gnomAD below 0.00001 and 0.00001.
gnomAD v4.1: 8 of 1,569,086 alleles (0.00051%); highest among the groups gnomAD compares: South Asian, 0.0082%; no homozygotes.

Submissions (3):

Ambry Genetics
Classification: Uncertain significance for Inborn genetic diseases. Last evaluated: 2024-01-04. Review status: criteria provided, single submitter. Criteria: Ambry Variant Classification Scheme 2023. Collection method: clinical testing. Allele origin: germline.

Labcorp Genetics (formerly Invitae), Labcorp
Classification: Likely benign. Last evaluated: 2023-03-08. Review status: criteria provided, single submitter. Criteria: Invitae Variant Classification Sherloc (09022015). Collection method: clinical testing. Allele origin: germline.

Laboratory for Molecular Medicine, Mass General Brigham Personalized Medicine
Classification: Uncertain significance. Last evaluated: 2018-01-09. Review status: criteria provided, single submitter. Criteria: LMM Criteria. Collection method: clinical testing. Allele origin: germline. Observed: 1 variant allele.
Comment: Variant classified as Uncertain Significance - Favor Benign. The p.Asp4832Glu va riant in ADGRV1 has not been previously reported in individuals with Usher syndr ome, but has been identified in 4/24110 of South Asian chromosomes by the Genome Aggregation Database (gnomAD; dbSNP rs7538036 15). Although this variant has been seen in the general population, its frequenc y is not high enough to rule out a pathogenic role. Computational prediction too ls and conservation analyses suggest that this variant may not impact the protei n, though this information is not predictive enough to rule out pathogenicity. I n summary, while the clinical significance of the p.Asp4832Glu variant is uncert ain, the variant is more likely to be benign. ACMG/AMP Criteria applied: BP4

NM_032119.4(ADGRV1):c.14496C>A (p.Asp4832Glu)

Gene: ADGRV1 (adhesion G protein-coupled receptor V1; plus strand). Cytogenetic location: 5q14.3.
Variant type: single nucleotide variant.
Coding change: c.14496C>A on transcript NM_032119.4 (MANE Select); coding-DNA position 14496, C replaced by A.
Protein change: p.Asp4832Glu; replaces aspartic acid 4832 with glutamic acid.
Molecular consequence: missense variant. On other transcripts: non-coding transcript variant (1).
Genome position (GRCh38, 1-based): chr5:90,791,325, C>A. VCF-style: chr5-90791325-C-A. GRCh37 (hg19) VCF-style: chr5-90087142-C-A.
Other names: short protein forms D4832E.
Identifiers: ClinVar variation 506270 (VCV000506270.8), dbSNP rs753803615, ClinGen allele CA3341739.